The following is an entry in ClinVar:

ClinVar aggregate classification (germline): Likely benign (1 of 4 stars; one submission).

Allele frequency attached by ClinVar (database versions not stated): 1000 Genomes Project 30x 0.00021; 1000 Genomes Project 0.00026; ESP Exome Variant Server 0.00038; gnomAD exomes 0.00083.
gnomAD v4.1: 961 of 1,207,738 alleles (0.08%); highest among the groups gnomAD compares: Non-Finnish European, 0.095%; 2 homozygotes.

Submission:

CeGaT Center for Human Genetics Tuebingen
Classification: Likely benign. Last evaluated: 2023-02-01. Review status: criteria provided, single submitter. Criteria: CeGaT Center For Human Genetics Tuebingen Variant Classification Criteria Version 2. Collection method: clinical testing. Allele origin: germline. Affected: yes. Observed: 2 variant alleles.
Comment: PDZD4: BP4, BS2

NM_001303512.2(PDZD4):c.1428C>T (p.Ala476=)

Gene: PDZD4 (PDZ domain containing 4; minus strand). Cytogenetic location: Xq28.
Variant type: single nucleotide variant.
Coding change: c.1428C>T on transcript NM_001303512.2 (MANE Select); coding-DNA position 1428, C replaced by T.
Protein change: p.Ala476=; no amino-acid change (alanine 476 retained).
Molecular consequence: synonymous variant.
Genome position (GRCh38, 1-based): chrX:153,804,253, G>A on the plus strand (C>T on the coding strand, the complement: PDZD4 is on the minus strand). VCF-style: chrX-153804253-G-A. GRCh37 (hg19) VCF-style: chrX-153069708-G-A.
Other names: c.1122C>T, p.Ala374= (NM_001303513.3); c.1083C>T, p.Ala361= (NM_001303514.2); c.1185C>T, p.Ala395= (NM_001303515.2); c.1167C>T, p.Ala389= (NM_001303516.2); c.1410C>T, p.Ala470= (NM_032512.5).
Identifiers: ClinVar variation 2661736 (VCV002661736.24), dbSNP rs138846842, ClinGen allele CA10553517.
Genomic context (GRCh38, chrX:153,804,253, plus strand): 5'-GCTCTCGGGCAGGGGCTCCACAAGCAGCGGGGTGCTGCGGCAGCTCTCCCCAGTGTTGTA[G>A]GCGCTGGTGCTGTCCTTGTCCGACTTCTCGGGCAGCTCGGAGATGTCGGACAGCTCGTGC-3'
Protein context (NP_001290441.1, residues 466-486): PEKSDKDSTS[Ala476=]YNTGESCRST